The following is an entry in ClinVar:

NM_007259.5(VPS45):c.1418C>A (p.Thr473Asn)

Gene: VPS45 (vacuolar protein sorting 45 homolog; plus strand). Cytogenetic location: 1q21.2.
Variant type: single nucleotide variant.
Coding change: c.1418C>A on transcript NM_007259.5 (MANE Select); coding-DNA position 1418, C replaced by A.
Protein change: p.Thr473Asn; replaces threonine 473 with asparagine.
Molecular consequence: missense variant. On other transcripts: non-coding transcript variant (1).
Genome position (GRCh38, 1-based): chr1:150,093,573, C>A. VCF-style: chr1-150093573-C-A. GRCh37 (hg19) VCF-style: chr1-150065669-C-A.
Other names: c.1103C>A, p.Thr368Asn (NM_001279353.2); c.1310C>A, p.Thr437Asn (NM_001279354.2); short protein forms T473N, T368N, T437N.
Identifiers: ClinVar variation 577348 (VCV000577348.6), dbSNP rs1553802469, ClinGen allele CA342257301.
Genomic context (GRCh38, chr1:150,093,573, plus strand): 5'-TTCCCCTGTTTTAGGGAGTAGAAAATGTATATACACAGCATCAACCTTTCCTACATGAAA[C>A]CCTGGATCATCTCATCAAAGGAAGGCTTAAGGAAAACCTATATCCTTATTTAGGCCCCAG-3'
Protein context (NP_009190.2, residues 463-483): YTQHQPFLHE[Thr473Asn]LDHLIKGRLK

ClinVar aggregate classification (germline): Uncertain significance (1 of 4 stars; one submission).

Conditions:
Congenital neutropenia-myelofibrosis-nephromegaly syndrome. Also called: Severe congenital neutropenia 5, autosomal recessive. Identifiers: Orphanet 369852, MedGen C3809031, MONDO:0014118, OMIM 615285.

gnomAD v4.1: 1 of 1,613,802 alleles (0.000062%); highest among the groups gnomAD compares: African/African-American, 0.0013%; no homozygotes.

Submission:

Labcorp Genetics (formerly Invitae), Labcorp
Classification: Uncertain significance for Congenital neutropenia-myelofibrosis-nephromegaly syndrome. Last evaluated: 2021-08-31. Review status: criteria provided, single submitter. Criteria: Invitae Variant Classification Sherloc (09022015). Collection method: clinical testing. Allele origin: germline.
Comment: This sequence change replaces threonine with asparagine at codon 473 of the VPS45 protein (p.Thr473Asn). The threonine residue is moderately conserved and there is a small physicochemical difference between threonine and asparagine. This variant is not present in population databases (ExAC no frequency). This variant has not been reported in the literature in individuals affected with VPS45-related conditions. Algorithms developed to predict the effect of missense changes on protein structure and function are either unavailable or do not agree on the potential impact of this missense change (SIFT: "Deleterious"; PolyPhen-2: "Probably Damaging"; Align-GVGD: "Class C0"). In summary, the available evidence is currently insufficient to determine the role of this variant in disease. Therefore, it has been classified as a Variant of Uncertain Significance.